The following is an entry in ClinVar:

ClinVar aggregate classification (germline): Benign. Review status: criteria provided, multiple submitters, no conflicts (2 of 4 stars). 3 submissions from 3 submitters: Benign (3). Last evaluated 2018-08-30.

Conditions:
Familial apolipoprotein C-II deficiency. Also called: APOC2 DEFICIENCY; C-II ANAPOLIPOPROTEINEMIA; HYPERLIPOPROTEINEMIA, TYPE IB. Identifiers: Orphanet 309020, Orphanet 444490, MedGen C1720779, MONDO:0008810, OMIM 207750.

Allele frequency attached by ClinVar (database versions not stated): gnomAD exomes 0.27489; gnomAD 0.28341 and 0.28593; TOPMed 0.28877; 1000 Genomes Project 30x 0.32745; 1000 Genomes Project 0.32827.
gnomAD v4.1: 101,765 of 364,462 alleles (28%); highest among the groups gnomAD compares: East Asian, 45%; 15,158 homozygotes.

Submissions (3):

GeneDx
Classification: Benign. Last evaluated: 2018-08-30. Review status: criteria provided, single submitter. Criteria: GeneDx Variant Classification Process June 2021. Collection method: clinical testing. Allele origin: germline. Affected: yes.

Illumina Laboratory Services, Illumina
Classification: Benign for Familial apolipoprotein C-II deficiency. Last evaluated: 2018-01-13. Review status: criteria provided, single submitter. Criteria: ICSL Variant Classification Criteria 13 December 2019. Collection method: clinical testing. Allele origin: germline.
Comment: This variant was observed in the ICSL laboratory as part of a predisposition screen in an ostensibly healthy population. It had not been previously curated by ICSL or reported in the Human Gene Mutation Database (HGMD: prior to June 1st, 2018), and was therefore a candidate for classification through an automated scoring system. Utilizing variant allele frequency, disease prevalence and penetrance estimates, and inheritance mode, an automated score was calculated to assess if this variant is too frequent to cause the disease. Based on the score and internal cut-off values, a variant classified as benign is not then subjected to further curation. The score for this variant resulted in a classification of benign for this disease.

Breakthrough Genomics
Classification: Benign. Review status: criteria provided, single submitter. Criteria: ACMG Guidelines, 2015. Collection method: not provided. Allele origin: germline. Inheritance: Autosomal recessive inheritance. Affected: yes.

NM_000483.5(APOC2):c.*306C>T

Genes: APOC4-APOC2 (APOC4-APOC2 readthrough (NMD candidate); plus strand), APOC2 (apolipoprotein C2; plus strand). Cytogenetic location: 19q13.32.
Variant type: single nucleotide variant.
Coding change: c.*306C>T on transcript NM_000483.5 (MANE Select); 306 bases downstream of the stop codon, C replaced by T.
Molecular consequence: 3 prime UTR variant. On other transcripts: non-coding transcript variant (1).
Genome position (GRCh38, 1-based): chr19:44,949,555, C>T. VCF-style: chr19-44949555-C-T. GRCh37 (hg19) VCF-style: chr19-45452812-C-T.
Identifiers: ClinVar variation 329463 (VCV000329463.9), dbSNP rs1130742, ClinGen allele CA10652509.
Genomic context (GRCh38, chr19:44,949,555, plus strand): 5'-TATGGAGCTCTAACCCATGGGTCCATGGGAATAAAGCAGTGAATAGTAACAATAAATAAT[C>T]GTAACAGCAATTAGAGACTAATCTTTATTGAAGTCCGGCTTTCTCTCTTTTATTTTTTTA-3'